The following is an entry in ClinVar:

ClinVar aggregate classification (germline): Uncertain significance. Review status: criteria provided, multiple submitters, no conflicts (2 of 4 stars). 2 submissions from 2 submitters: Uncertain significance (2). Last evaluated 2023-12-05.

Conditions:
Hereditary cancer-predisposing syndrome. Also called: Tumor predisposition; Neoplastic Syndromes, Hereditary; Hereditary Cancer Syndrome; Hereditary neoplastic syndrome. Identifiers: Orphanet 140162, MedGen C0027672, MeSH D009386, MONDO:0015356.
Ataxia-telangiectasia syndrome (AT). Also called: Ataxia-telangiectasia; Ataxia-telangiectasia, complementation group D; AT, COMPLEMENTATION GROUP C; LOUIS-BAR SYNDROME; Cerebello-oculocutaneous telangiectasia; Immunodeficiency with ataxia telangiectasia. Identifiers: Orphanet 100, MedGen C0004135, MONDO:0008840, OMIM 208900.

Submissions (2):

Color Diagnostics, LLC DBA Color Health
Classification: Uncertain significance for Hereditary cancer-predisposing syndrome. Last evaluated: 2023-12-05. Review status: criteria provided, single submitter. Criteria: ACMG Guidelines, 2015. Collection method: clinical testing. Allele origin: germline.
Comment: This missense variant replaces threonine with serine at codon 1363 of the ATM protein. Computational prediction suggests that this variant may not impact protein structure and function (internally defined REVEL score threshold <= 0.5, PMID: 27666373). To our knowledge, functional studies have not been reported for this variant. This variant has not been reported in individuals affected with ATM-related disorders in the literature. This variant has not been identified in the general population by the Genome Aggregation Database (gnomAD). The available evidence is insufficient to determine the role of this variant in disease conclusively. Therefore, this variant is classified as a Variant of Uncertain Significance.

Labcorp Genetics (formerly Invitae), Labcorp
Classification: Uncertain significance for Ataxia-telangiectasia syndrome. Last evaluated: 2023-05-09. Review status: criteria provided, single submitter. Criteria: Invitae Variant Classification Sherloc (09022015). Collection method: clinical testing. Allele origin: germline.
Comment: This sequence change replaces threonine, which is neutral and polar, with serine, which is neutral and polar, at codon 1363 of the ATM protein (p.Thr1363Ser). This variant is not present in population databases (gnomAD no frequency). In summary, the available evidence is currently insufficient to determine the role of this variant in disease. Therefore, it has been classified as a Variant of Uncertain Significance. Algorithms developed to predict the effect of missense changes on protein structure and function output the following: SIFT: "Not Available"; PolyPhen-2: "Benign"; Align-GVGD: "Not Available". The serine amino acid residue is found in multiple mammalian species, which suggests that this missense change does not adversely affect protein function. ClinVar contains an entry for this variant (Variation ID: 489546). This variant has not been reported in the literature in individuals affected with ATM-related conditions.

NM_000051.4(ATM):c.4088C>G (p.Thr1363Ser)

Gene: ATM (ATM serine/threonine kinase; plus strand). Cytogenetic location: 11q22.3.
Variant type: single nucleotide variant.
Coding change: c.4088C>G on transcript NM_000051.4 (MANE Select); coding-DNA position 4088, C replaced by G.
Protein change: p.Thr1363Ser; replaces threonine 1363 with serine.
Molecular consequence: missense variant.
Genome position (GRCh38, 1-based): chr11:108,287,694, C>G. VCF-style: chr11-108287694-C-G. GRCh37 (hg19) VCF-style: chr11-108158421-C-G.
Other names: c.4088C>G, p.Thr1363Ser (NM_001351834.2); short protein forms T1363S.
Identifiers: ClinVar variation 489546 (VCV000489546.8), dbSNP rs1555096040, ClinGen allele CA382528447.
Genomic context (GRCh38, chr11:108,287,694, plus strand): 5'-TTGTGGTGGAGTTATTGATGACGTTACATGAGCCAGCAAATTCTAGTGCCAGTCAGAGCA[C>G]TGACCTCTGTGACTTTTCAGGGTATGTACATTTTAAACTTAGAGAACTAGCTCTAACTTC-3'
Protein context (NP_000042.3, residues 1353-1373): EPANSSASQS[Thr1363Ser]DLCDFSGDLD